The following is an entry in ClinVar:

NM_177438.3(DICER1):c.1112A>G (p.Lys371Arg)

Gene: DICER1 (dicer 1, ribonuclease III; minus strand). Cytogenetic location: 14q32.13.
Variant type: single nucleotide variant.
Coding change: c.1112A>G on transcript NM_177438.3 (MANE Select); coding-DNA position 1112, A replaced by G.
Protein change: p.Lys371Arg; replaces lysine 371 with arginine.
Molecular consequence: missense variant. On other transcripts: 5 prime UTR variant (1), non-coding transcript variant (6).
Genome position (GRCh38, 1-based): chr14:95,124,460, T>C on the plus strand (A>G on the coding strand, the complement: DICER1 is on the minus strand). VCF-style: chr14-95124460-T-C. GRCh37 (hg19) VCF-style: chr14-95590797-T-C.
Other names: c.1112A>G, p.Lys371Arg (NM_001195573.1, NM_001271282.3, NM_001291628.2 and 14 more transcripts); c.830A>G, p.Lys277Arg (NM_001395686.1); c.707A>G, p.Lys236Arg (NM_001395687.1, NM_001395688.1, NM_001395689.1 and 3 more transcripts); c.545A>G, p.Lys182Arg (NM_001395691.1); c.-457A>G (NM_001395697.1); short protein forms K182R, K236R, K277R, K371R.
Identifiers: ClinVar variation 4869810 (VCV004869810.1).
Genomic context (GRCh38, chr14:95,124,460, plus strand): 5'-TCATATGGTTTATATTTGCGTAAGATTTCGAGCAGTTTGATTACTTTAGGAGTTACAAAT[T>C]TCAGGTCAAGTGAGGCAGGTGAGAAGTGCTCTTCACATAGTGCATGTATTTTCCTTAGGA-3'
Protein context (NP_803187.1, residues 361-381): EHFSPASLDL[Lys371Arg]FVTPKVIKLL

ClinVar aggregate classification (germline): Uncertain significance (1 of 4 stars; one submission).

Conditions:
Hereditary cancer-predisposing syndrome. Also called: Neoplastic Syndromes, Hereditary; Tumor predisposition; Hereditary Cancer Syndrome; Hereditary neoplastic syndrome. Identifiers: Orphanet 140162, MedGen C0027672, MeSH D009386, MONDO:0015356.

gnomAD v4.1: 2 of 1,614,144 alleles (0.00012%); highest among the groups gnomAD compares: Non-Finnish European, 0.000085%; no homozygotes.

Submission:

Ambry Genetics
Classification: Uncertain significance for Hereditary cancer-predisposing syndrome. Last evaluated: 2026-05-31. Review status: criteria provided, single submitter. Criteria: Ambry Variant Classification Scheme 2023. Collection method: clinical testing. Allele origin: germline.
Comment: The p.K371R variant (also known as c.1112A>G), located in coding exon 7 of the DICER1 gene, results from an A to G substitution at nucleotide position 1112. The lysine at codon 371 is replaced by arginine, an amino acid with highly similar properties. This amino acid position is conserved. In addition, this alteration is predicted to be tolerated by in silico analysis. Based on the available evidence, the clinical significance of this variant remains unclear.